The following is an entry in ClinVar:

ClinVar aggregate classification (germline): Benign/Likely benign. Review status: criteria provided, multiple submitters, no conflicts (2 of 4 stars). 3 submissions from 3 submitters: Benign (1); Likely benign (2). Last evaluated 2026-07-14.

Conditions:
Rhabdoid tumor predisposition syndrome 2 (RTPS2). Identifiers: Orphanet 231108, Orphanet 69077, MedGen C2750074, MONDO:0013224, OMIM 613325.
Hereditary cancer-predisposing syndrome. Also called: Hereditary Cancer Syndrome; Hereditary neoplastic syndrome; Neoplastic Syndromes, Hereditary; Tumor predisposition. Identifiers: Orphanet 140162, MedGen C0027672, MeSH D009386, MONDO:0015356.

Allele frequency attached by ClinVar (database versions not stated): gnomAD 0.00003.
gnomAD v4.1: 7 of 1,608,672 alleles (0.00044%); highest among the groups gnomAD compares: Non-Finnish European, 0.00059%; no homozygotes.

Submissions (3):

Myriad Genetics, Inc.
Classification: Benign for Rhabdoid tumor predisposition syndrome 2. Last evaluated: 2026-07-14. Review status: criteria provided, single submitter. Criteria: Myriad Autosomal Dominant, Autosomal Recessive and X-Linked Classification Criteria (2023). Collection method: clinical testing. Allele origin: unknown.
Comment: This variant is considered benign. This variant is a silent/synonymous amino acid change and it is not expected to impact splicing.

Labcorp Genetics (formerly Invitae), Labcorp
Classification: Likely benign for Rhabdoid tumor predisposition syndrome 2. Last evaluated: 2025-12-08. Review status: criteria provided, single submitter. Criteria: Invitae Variant Classification Sherloc (09022015). Collection method: clinical testing. Allele origin: germline.

Ambry Genetics
Classification: Likely benign for Hereditary cancer-predisposing syndrome. Last evaluated: 2015-07-02. Review status: criteria provided, single submitter. Criteria: Ambry Variant Classification Scheme 2023. Collection method: clinical testing. Allele origin: germline.

NM_003072.5(SMARCA4):c.3462C>T (p.Leu1154=)

Gene: SMARCA4 (SWI/SNF related BAF chromatin remodeling complex subunit ATPase 4; plus strand). Cytogenetic location: 19p13.2.
Variant type: single nucleotide variant.
Coding change: c.3462C>T on transcript NM_003072.5 (MANE Select); coding-DNA position 3462, C replaced by T.
Protein change: p.Leu1154=; no amino-acid change (leucine 1154 retained).
Molecular consequence: synonymous variant. On other transcripts: non-coding transcript variant (1).
Genome position (GRCh38, 1-based): chr19:11,030,809, C>T. VCF-style: chr19-11030809-C-T. GRCh37 (hg19) VCF-style: chr19-11141485-C-T.
Other names: c.3462C>T, p.Leu1154= (NM_001128844.3, NM_001128845.2, NM_001128846.2 and 5 more transcripts).
Identifiers: ClinVar variation 415154 (VCV000415154.17), dbSNP rs1060504465, ClinGen allele CA16615978.